The following is an entry in ClinVar:

ClinVar aggregate classification (germline): Benign/Likely benign. Review status: criteria provided, multiple submitters, no conflicts (2 of 4 stars). 6 submissions from 6 submitters: Benign (1); Likely benign (5). Last evaluated 2025-11-05.

Conditions:
Hereditary cancer-predisposing syndrome. Also called: Hereditary neoplastic syndrome; Neoplastic Syndromes, Hereditary; Tumor predisposition; Hereditary Cancer Syndrome. Identifiers: Orphanet 140162, MedGen C0027672, MeSH D009386, MONDO:0015356.
Familial adenomatous polyposis 1 (FAP1). Also called: POLYPOSIS, ADENOMATOUS INTESTINAL; FAMILIAL ADENOMATOUS POLYPOSIS 1, ATTENUATED. Identifiers: MedGen C2713442, MONDO:0021056, OMIM 175100. Disease mechanism: loss of function.
Classic or attenuated familial adenomatous polyposis. Identifiers: MedGen CN372698, MONDO:0021057.

Allele frequency attached by ClinVar (database versions not stated): gnomAD exomes below 0.00001 and 0.00001; TOPMed below 0.00001; gnomAD 0.00001.
gnomAD v4.1: 4 of 1,614,054 alleles (0.00025%); highest among the groups gnomAD compares: Non-Finnish European, 0.00034%; no homozygotes.

Submissions (6):

Labcorp Genetics (formerly Invitae), Labcorp
Classification: Likely benign for Familial adenomatous polyposis 1. Last evaluated: 2025-11-05. Review status: criteria provided, single submitter. Criteria: Invitae Variant Classification Sherloc (09022015). Collection method: clinical testing. Allele origin: germline.

Myriad Genetics, Inc.
Classification: Benign for Familial adenomatous polyposis 1. Last evaluated: 2024-03-15. Review status: criteria provided, single submitter. Criteria: Myriad Autosomal Dominant, Autosomal Recessive and X-Linked Classification Criteria (2023). Collection method: clinical testing. Allele origin: unknown.
Comment: This variant is considered benign. This variant is a silent/synonymous amino acid change and it is not expected to impact splicing.

All of Us Research Program, National Institutes of Health
Classification: Likely benign for Classic or attenuated familial adenomatous polyposis. Last evaluated: 2023-11-02. Review status: criteria provided, single submitter. Criteria: ACMG Guidelines, 2015. Collection method: clinical testing. Allele origin: germline. Inheritance: Autosomal dominant inheritance. Observed: 1 variant allele, 1 heterozygote.
Comment: This study involves interpretation of variants in research participants for the purpose of population health screening. Participant phenotype was not available at the time of variant classification. Additional details can be found in publication PMID: 35346344, PMCID: PMC8962531

Women's Health and Genetics/Laboratory Corporation of America, LabCorp
Classification: Likely benign. Last evaluated: 2019-08-20. Review status: criteria provided, single submitter. Criteria: LabCorp Variant Classification Summary - May 2015. Collection method: clinical testing. Allele origin: germline.

Color Diagnostics, LLC DBA Color Health
Classification: Likely benign for Hereditary cancer-predisposing syndrome. Last evaluated: 2018-11-01. Review status: criteria provided, single submitter. Criteria: ACMG Guidelines, 2015. Collection method: clinical testing. Allele origin: germline.

Ambry Genetics
Classification: Likely benign for Hereditary cancer-predisposing syndrome. Last evaluated: 2015-12-18. Review status: criteria provided, single submitter. Criteria: Ambry Variant Classification Scheme 2023. Collection method: clinical testing. Allele origin: germline.

NM_000038.6(APC):c.2860T>C (p.Leu954=)

Gene: APC (APC regulator of Wnt signaling pathway; plus strand). Cytogenetic location: 5q22.2.
Variant type: single nucleotide variant.
Coding change: c.2860T>C on transcript NM_000038.6 (MANE Select); coding-DNA position 2860, T replaced by C.
Protein change: p.Leu954=; no amino-acid change (leucine 954 retained).
Molecular consequence: synonymous variant.
Genome position (GRCh38, 1-based): chr5:112,838,454, T>C. VCF-style: chr5-112838454-T-C. GRCh37 (hg19) VCF-style: chr5-112174151-T-C.
Other names: c.2860T>C, p.Leu954= (NM_001127510.3, NM_001354895.2); c.2806T>C, p.Leu936= (NM_001127511.3); c.2914T>C, p.Leu972= (NM_001354896.2); c.2890T>C, p.Leu964= (NM_001354897.2); c.2785T>C, p.Leu929= (NM_001354898.2); c.2776T>C, p.Leu926= (NM_001354899.2); c.2737T>C, p.Leu913= (NM_001354900.2); c.2683T>C, p.Leu895= (NM_001354901.2); and 5 more.
Identifiers: ClinVar variation 215559 (VCV000215559.58), dbSNP rs863224278, ClinGen allele CA336833.